The following is an entry in ClinVar:

ClinVar aggregate classification (germline): Likely benign. Review status: criteria provided, multiple submitters, no conflicts (2 of 4 stars). 2 submissions from 2 submitters: Likely benign (2). Last evaluated 2026-01-12.

Allele frequency attached by ClinVar (database versions not stated): ExAC 0.00014; gnomAD exomes 0.00016 and 0.00020; gnomAD 0.00017 and 0.00019; TOPMed 0.00019; ESP Exome Variant Server 0.00031.
gnomAD v4.1: 253 of 1,614,060 alleles (0.016%); highest among the groups gnomAD compares: Admixed American, 0.017%; no homozygotes.

Submissions (2):

Labcorp Genetics (formerly Invitae), Labcorp
Classification: Likely benign. Last evaluated: 2026-01-12. Review status: criteria provided, single submitter. Criteria: Invitae Variant Classification Sherloc (09022015). Collection method: clinical testing. Allele origin: germline.

CeGaT Center for Human Genetics Tuebingen
Classification: Likely benign. Last evaluated: 2023-04-01. Review status: criteria provided, single submitter. Criteria: CeGaT Center For Human Genetics Tuebingen Variant Classification Criteria Version 2. Collection method: clinical testing. Allele origin: germline. Affected: yes. Observed: 1 variant allele.
Comment: PLEKHG2: BP4, BP7

NM_022835.3(PLEKHG2):c.3009C>T (p.Ala1003=)

Gene: PLEKHG2 (pleckstrin homology and RhoGEF domain containing G2; plus strand). Cytogenetic location: 19q13.2.
Variant type: single nucleotide variant.
Coding change: c.3009C>T on transcript NM_022835.3 (MANE Select); coding-DNA position 3009, C replaced by T.
Protein change: p.Ala1003=; no amino-acid change (alanine 1003 retained).
Molecular consequence: synonymous variant. On other transcripts: intron variant (1).
Genome position (GRCh38, 1-based): chr19:39,424,142, C>T. VCF-style: chr19-39424142-C-T. GRCh37 (hg19) VCF-style: chr19-39914782-C-T.
Other names: c.2832C>T, p.Ala944= (NM_001351693.2); c.1678-1096C>T (NM_001351694.2).
Identifiers: ClinVar variation 1161376 (VCV001161376.33), dbSNP rs138826809, ClinGen allele CA9429912.